The following is an entry in ClinVar:

NM_004208.4(AIFM1):c.434C>T (p.Ala145Val)

Genes: AIFM1 (apoptosis inducing factor mitochondria associated 1; minus strand), RAB33A (RAB33A, member RAS oncogene family; plus strand). Cytogenetic location: Xq26.1.
Variant type: single nucleotide variant.
Coding change: c.434C>T on transcript NM_004208.4 (MANE Select); coding-DNA position 434, C replaced by T.
Protein change: p.Ala145Val; replaces alanine 145 with valine.
Molecular consequence: missense variant. On other transcripts: non-coding transcript variant (1).
Genome position (GRCh38, 1-based): chrX:130,147,792, G>A on the plus strand (C>T on the coding strand, the complement: AIFM1 is on the minus strand). VCF-style: chrX-130147792-G-A. GRCh37 (hg19) VCF-style: chrX-129281767-G-A.
Other names: c.434C>T, p.Ala145Val (NM_001130847.4); c.422C>T, p.Ala141Val (NM_145812.3); short protein forms A145V, A141V.
Identifiers: ClinVar variation 162473 (VCV000162473.2), dbSNP rs724160015, ClinGen allele CA175054.
Genomic context (GRCh38, chrX:130,147,792, plus strand): 5'-CAAAAAAACATGCACCTTACCCTGGCCCCAGGATCCCGAGCCCGGATGGATCTGGCTGCA[G>A]CAAAAGCAGCTGTGCCTCCACCAATTAGCAGGAAAGGAACATGACTTGGCGCCTTGTCTT-3'
Protein context (NP_004199.1, residues 135-155): LLIGGGTAAF[Ala145Val]AARSIRARDP

ClinVar aggregate classification (germline): Likely pathogenic (0 of 4 stars; one submission).

Conditions:
Deafness, X-linked 5 (DFNX5). Also called: DEAFNESS, X-LINKED 5, WITH PERIPHERAL NEUROPATHY; AUDITORY NEUROPATHY, X-LINKED, 1, WITH PERIPHERAL SENSORY NEUROPATHY. Identifiers: Orphanet 139583, MedGen C1845095, OMIM 300614.

Submission:

Deafness Gene Diagnosis, Xijing Hospital
Classification: Likely pathogenic for Deafness, X-linked 5. Review status: no assertion criteria provided. Collection method: clinical testing. Allele origin: unknown. Inheritance: Sporadic. Affected: yes. Observed: 2 variant alleles, 2 homozygotes. Clinical features observed: auditory neuropathy.
Comment: missense mutation in conserved position, not detected in normal control (118 people), and Mutationtaster predicted as Disease Causing